The following is an entry in ClinVar:

ClinVar aggregate classification (germline): Likely benign. Review status: criteria provided, multiple submitters, no conflicts (2 of 4 stars). 4 submissions from 4 submitters: Likely benign (4). Last evaluated 2026-01-20.

Conditions:
Cardiovascular phenotype. Identifiers: MedGen CN230736.
ZNF469-related disorder. Also called: ZNF469-related condition.

Allele frequency attached by ClinVar (database versions not stated): gnomAD exomes 0.00001.
gnomAD v4.1: 19 of 1,550,398 alleles (0.0012%); highest among the groups gnomAD compares: Non-Finnish European, 0.0016%; no homozygotes.

Submissions (4):

Labcorp Genetics (formerly Invitae), Labcorp
Classification: Likely benign. Last evaluated: 2026-01-20. Review status: criteria provided, single submitter. Criteria: Invitae Variant Classification Sherloc (09022015). Collection method: clinical testing. Allele origin: germline.

Women's Health and Genetics/Laboratory Corporation of America, LabCorp
Classification: Likely benign. Last evaluated: 2025-10-27. Review status: criteria provided, single submitter. Criteria: LabCorp Variant Classification Summary - May 2015. Collection method: clinical testing. Allele origin: germline.

PreventionGenetics, part of Exact Sciences
Classification: Likely benign for ZNF469-related condition. Last evaluated: 2024-11-09. Review status: criteria provided, single submitter. Criteria: ACMG Guidelines, 2015. Collection method: clinical testing. Allele origin: germline.
Comment: This variant is classified as likely benign based on ACMG/AMP sequence variant interpretation guidelines (Richards et al. 2015 PMID: 25741868, with internal and published modifications).

Ambry Genetics
Classification: Likely benign for Cardiovascular phenotype. Last evaluated: 2023-01-29. Review status: criteria provided, single submitter. Criteria: Ambry Variant Classification Scheme 2023. Collection method: clinical testing. Allele origin: germline.

NM_001367624.2(ZNF469):c.7293C>T (p.His2431=)

Gene: ZNF469 (zinc finger protein 469; plus strand). Cytogenetic location: 16q24.2.
Variant type: single nucleotide variant.
Coding change: c.7293C>T on transcript NM_001367624.2 (MANE Select); coding-DNA position 7293, C replaced by T.
Protein change: p.His2431=; no amino-acid change (histidine 2431 retained).
Molecular consequence: synonymous variant.
Genome position (GRCh38, 1-based): chr16:88,434,763, C>T. VCF-style: chr16-88434763-C-T. GRCh37 (hg19) VCF-style: chr16-88501171-C-T.
Other names: NM_001127464.1:c.7209C>T; NM_001127464.2:c.7209C>T.
Identifiers: ClinVar variation 2497306 (VCV002497306.7), dbSNP rs991352216, ClinGen allele CA286382555.